The following is an entry in ClinVar:

ClinVar aggregate classification (germline): Likely pathogenic (1 of 4 stars; one submission).

Conditions:
Spermatogenic failure 19. Identifiers: MedGen C4539818, MONDO:0054723, OMIM 617592.

Submission:

Juno Genomics, Hangzhou Juno Genomics, Inc
Classification: Likely pathogenic for Spermatogenic failure 19. Review status: criteria provided, single submitter. Criteria: ACMG Guidelines, 2015. Collection method: clinical testing. Allele origin: germline.
Comment: Null variant in a gene where loss of function (LOF) is a known mechanism of disease.;Absent from controls (or at extremely low frequency if recessive) in Genome Aggregation Database.

NM_025145.7(CFAP43):c.944del (p.Gly315fs)

Gene: CFAP43 (cilia and flagella associated protein 43; minus strand). Cytogenetic location: 10q25.1.
Variant type: Deletion.
Coding change: c.944del on transcript NM_025145.7 (MANE Select); coding-DNA position 944, one base deleted (G; older notation c.944delG).
Protein change: p.Gly315fs; shifts the reading frame from glycine 315.
Molecular consequence: frameshift variant.
Genome position (GRCh38, 1-based): chr10:104,205,982, C deleted on the plus strand (G on the coding strand, the reverse complement: CFAP43 is on the minus strand); the first of 3 consecutive C bases (chr10:104,205,982-104,205,984); deleting any one gives the same sequence. VCF-style (leftmost placement, unchanged base first): chr10-104205981-GC-G. GRCh37 (hg19) VCF-style: chr10-105965739-GC-G.
Other names: short protein forms G315fs.
Identifiers: ClinVar variation 5007493 (VCV005007493.2), dbSNP rs1392650097.